The following is an entry in ClinVar:

NM_002336.3(LRP6):c.2526A>T (p.Gln842His)

Gene: LRP6 (LDL receptor related protein 6; minus strand). Cytogenetic location: 12p13.2.
Variant type: single nucleotide variant.
Coding change: c.2526A>T on transcript NM_002336.3 (MANE Select); coding-DNA position 2526, A replaced by T.
Protein change: p.Gln842His; replaces glutamine 842 with histidine.
Molecular consequence: missense variant. On other transcripts: non-coding transcript variant (1).
Genome position (GRCh38, 1-based): chr12:12,159,094, T>A on the plus strand (A>T on the coding strand, the complement: LRP6 is on the minus strand). VCF-style: chr12-12159094-T-A. GRCh37 (hg19) VCF-style: chr12-12312028-T-A.
Other names: c.2526A>T, p.Gln842His (NM_001414244.1, NM_001414245.1, NM_001414246.1 and 4 more transcripts); c.2328A>T, p.Gln776His (NM_001414247.1); c.2073A>T, p.Gln691His (NM_001414252.1, NM_001414253.1, NM_001414254.1); c.2019A>T, p.Gln673His (NM_001414255.1); short protein forms Q673H, Q842H, Q691H, Q776H.
Identifiers: ClinVar variation 2982050 (VCV002982050.3), dbSNP rs909410399, ClinGen allele CA232991532.

ClinVar aggregate classification (germline): Uncertain significance (1 of 4 stars; one submission).

gnomAD v4.1: 1 of 1,614,176 alleles (0.000062%); no homozygotes.

Submission:

Labcorp Genetics (formerly Invitae), Labcorp
Classification: Uncertain significance. Last evaluated: 2025-02-20. Review status: criteria provided, single submitter. Criteria: Invitae Variant Classification Sherloc (09022015). Collection method: clinical testing. Allele origin: germline.
Comment: This sequence change replaces glutamine, which is neutral and polar, with histidine, which is basic and polar, at codon 842 of the LRP6 protein (p.Gln842His). This variant is not present in population databases (gnomAD no frequency). This variant has not been reported in the literature in individuals affected with LRP6-related conditions. ClinVar contains an entry for this variant (Variation ID: 2982050). Invitae Evidence Modeling of protein sequence and biophysical properties (such as structural, functional, and spatial information, amino acid conservation, physicochemical variation, residue mobility, and thermodynamic stability) indicates that this missense variant is not expected to disrupt LRP6 protein function with a negative predictive value of 80%. In summary, the available evidence is currently insufficient to determine the role of this variant in disease. Therefore, it has been classified as a Variant of Uncertain Significance.